The following is an entry in ClinVar:

ClinVar aggregate classification (germline): Uncertain significance. Review status: criteria provided, multiple submitters, no conflicts (2 of 4 stars). 8 submissions from 8 submitters: Uncertain significance (8). Last evaluated 2025-12-13.

Conditions:
MYBPC3-related disorder. Also called: MYBPC3-related disorders; MYBPC3-related condition; MYBPC3-related disease.
Cardiovascular phenotype. Identifiers: MedGen CN230736.
Left ventricular noncompaction 10 (LVNC10). Identifiers: Orphanet 154, Orphanet 54260, MedGen C3715165, MONDO:0014163, OMIM 615396.
Hypertrophic cardiomyopathy 4. Also called: Familial hypertrophic cardiomyopathy 4. Identifiers: MedGen C1861862, MONDO:0007268, OMIM 115197.
Cardiomyopathy (CMYO). Also called: Cardiomyopathies. Identifiers: Orphanet 167848, MedGen C0878544, MONDO:0004994, HP:0001638. Inheritance: Various modes of inheritance.
Hypertrophic cardiomyopathy. Also called: HYPERTROPHIC MYOCARDIOPATHY. Identifiers: Orphanet 217569, MedGen C0007194, MeSH D002312, MONDO:0005045, HP:0001639.

Allele frequency attached by ClinVar (database versions not stated): TOPMed 0.00003; ESP Exome Variant Server 0.00008.
gnomAD v4.1: 39 of 1,596,648 alleles (0.0024%); highest among the groups gnomAD compares: African/African-American, 0.0094%; no homozygotes.

Submissions (8):

Labcorp Genetics (formerly Invitae), Labcorp
Classification: Uncertain significance for Hypertrophic cardiomyopathy. Last evaluated: 2025-12-13. Review status: criteria provided, single submitter. Criteria: Invitae Variant Classification Sherloc (09022015). Collection method: clinical testing. Allele origin: germline.
Comment: This sequence change replaces threonine, which is neutral and polar, with methionine, which is neutral and non-polar, at codon 688 of the MYBPC3 protein (p.Thr688Met). This variant is present in population databases (rs3729946, gnomAD 0.003%). This missense change has been observed in individual(s) with hypertrophic cardiomyopathy (PMID: 33495596). ClinVar contains an entry for this variant (Variation ID: 454309). An algorithm developed specifically for the MYBPC3 gene suggests that this missense change is likely to be tolerated (PMID: 21310275). In summary, the available evidence is currently insufficient to determine the role of this variant in disease. Therefore, it has been classified as a Variant of Uncertain Significance.

PreventionGenetics, part of Exact Sciences
Classification: Uncertain significance for MYBPC3-related condition. Last evaluated: 2025-04-25. Review status: criteria provided, single submitter. Criteria: ACMG Guidelines, 2015. Collection method: clinical testing. Allele origin: germline.
Comment: The MYBPC3 c.2063C>T variant is predicted to result in the amino acid substitution p.Thr688Met. This variant has been reported in the heterozygous state in at least two individuals with dilated or unspecified cardiomyopathy; however, supporting functional or segregation evidence was not provided in these studies (Tadros et al. 2021. PubMed ID: 33495596; Kurzlechner et al. 2022. PubMed ID: 35629155). This variant is reported in 0.0032% of alleles in individuals of Latino descent in gnomAD. At this time, the clinical significance of this variant is uncertain due to the absence of conclusive functional and genetic evidence.

Molecular Diagnostic Laboratory for Inherited Cardiovascular Disease, Montreal Heart Institute
Classification: Uncertain significance for Cardiovascular phenotype. Last evaluated: 2025-04-08. Review status: criteria provided, single submitter. Criteria: ACMG Guidelines, 2015. Collection method: clinical testing. Allele origin: germline. Affected: yes.

All of Us Research Program, National Institutes of Health
Classification: Uncertain significance for Hypertrophic cardiomyopathy. Last evaluated: 2024-09-27. Review status: criteria provided, single submitter. Criteria: ACMG Guidelines, 2015. Collection method: clinical testing. Allele origin: germline. Inheritance: Autosomal dominant inheritance. Observed: 17 variant alleles, 17 heterozygotes.
Comment: This missense variant replaces threonine with methionine at codon 688 of the MYBPC3 protein. Computational prediction suggests that this variant may not impact protein structure and function (internally defined REVEL score threshold <= 0.5, PMID: 27666373). To our knowledge, functional studies have not been reported for this variant. This variant has not been reported in individuals affected with cardiovascular disorders in the literature. This variant has been identified in 1/226604 chromosomes in the general population by the Genome Aggregation Database (gnomAD). The available evidence is insufficient to determine the role of this variant in disease conclusively. Therefore, this variant is classified as a Variant of Uncertain Significance.

This study involves interpretation of variants in research participants for the purpose of population health screening. Participant phenotype was not available at the time of variant classification. Additional details can be found in publication PMID: 35346344, PMCID: PMC8962531

Fulgent Genetics
Classification: Uncertain significance for Hypertrophic cardiomyopathy 4; Left ventricular noncompaction 10. Last evaluated: 2024-06-12. Review status: criteria provided, single submitter. Criteria: ACMG Guidelines, 2015. Collection method: clinical testing. Allele origin: germline.

Color Diagnostics, LLC DBA Color Health
Classification: Uncertain significance for Cardiomyopathy. Last evaluated: 2024-04-26. Review status: criteria provided, single submitter. Criteria: ACMG Guidelines, 2015. Collection method: clinical testing. Allele origin: germline.
Comment: This missense variant replaces threonine with methionine at codon 688 of the MYBPC3 protein. Computational prediction tools indicate that this variant has a neutral impact on protein structure and function. To our knowledge, functional studies have not been reported for this variant. This variant has been reported in one individual affected with hypertrophic cardiomyopathy (PMID: 33495596, 33495597). This variant has been identified in 1/226604 chromosomes in the general population by the Genome Aggregation Database (gnomAD). The available evidence is insufficient to determine the role of this variant in disease conclusively. Therefore, this variant is classified as a Variant of Uncertain Significance.

Ambry Genetics
Classification: Uncertain significance for Cardiovascular phenotype. Last evaluated: 2023-09-14. Review status: criteria provided, single submitter. Criteria: Ambry Variant Classification Scheme 2023. Collection method: clinical testing. Allele origin: germline.
Comment: The p.T688M variant (also known as c.2063C>T), located in coding exon 21 of the MYBPC3 gene, results from a C to T substitution at nucleotide position 2063. The threonine at codon 688 is replaced by methionine, an amino acid with similar properties. This alteration has been reported in cardiomyopathy cohorts; however, clinical details were limited (Mazzarotto F et al. Genet Med, 2019 Feb;21:284-292; Tadros R et al. Nat Genet, 2021 Feb;53:128-134; Kurzlechner LM et al. J Pers Med, 2022 Apr;12:[ePub ahead of print]). This amino acid position is not well conserved in available vertebrate species. In addition, this alteration is predicted to be tolerated by in silico analysis. Since supporting evidence is limited at this time, the clinical significance of this alteration remains unclear.

CHEO Genetics Diagnostic Laboratory, Children's Hospital of Eastern Ontario
Classification: Uncertain significance for Cardiomyopathy. Last evaluated: 2023-05-19. Review status: criteria provided, single submitter. Criteria: ACMG Guidelines, 2015. Collection method: clinical testing. Allele origin: germline.

Literature cited by the submitters: PubMed 33495596 (cited by 3 submitters); PubMed 21310275 (cited by Labcorp Genetics (formerly Invitae), Labcorp); PubMed 33495597 (cited by Color Diagnostics, LLC DBA Color Health); PubMed 29875424 (cited by Ambry Genetics); PubMed 35629155 (cited by Ambry Genetics).

NM_000256.3(MYBPC3):c.2063C>T (p.Thr688Met)

Gene: MYBPC3 (myosin binding protein C3; minus strand). Cytogenetic location: 11p11.2.
Variant type: single nucleotide variant.
Coding change: c.2063C>T on transcript NM_000256.3 (MANE Select); coding-DNA position 2063, C replaced by T.
Protein change: p.Thr688Met; replaces threonine 688 with methionine.
Molecular consequence: missense variant.
Genome position (GRCh38, 1-based): chr11:47,339,655, G>A on the plus strand (C>T on the coding strand, the complement: MYBPC3 is on the minus strand). VCF-style: chr11-47339655-G-A. GRCh37 (hg19) VCF-style: chr11-47361206-G-A.
Other names: c.2063C>T, p.Thr688Met (LRG_386t1); short protein forms T688M.
Identifiers: ClinVar variation 454309 (VCV000454309.23), dbSNP rs3729946, ClinGen allele CA221691095.
Genomic context (GRCh38, chr11:47,339,655, plus strand): 5'-GCTGGTTCCACACACCCATCTTATAGATGGGGAGACTGAGGAGGGACCCACAGTACCTGC[G>A]TGATAGCCTTCTGCCAGATCACAGTGGGAGCAGGGTCCCCAGAGATAGGGACGTCCAGAC-3'
Protein context (NP_000247.2, residues 678-698): APTVIWQKAI[Thr688Met]QGNKAPARPA